The following is an entry in ClinVar:

NM_000426.4(LAMA2):c.6510TGT[1] (p.Val2172del)

Gene: LAMA2 (laminin subunit alpha 2; plus strand). Cytogenetic location: 6q22.33.
Variant type: Microsatellite.
Coding change: c.6510TGT[1] on transcript NM_000426.4 (MANE Select); one copy of the 3-base unit TGT starting at c.6510; the reference has two copies in a row; one copy, 3 bases deleted; also written c.6513_6515del.
Protein change: p.Val2172del; deletes valine 2172.
Molecular consequence: inframe deletion.
Genome position (GRCh38, 1-based): chr6:129,453,071-129,453,073, TGT deleted; deleting any 3 consecutive bases within chr6:129,453,067-129,453,073 gives the same sequence; the position shown is the placement nearest the transcript's 3' end. VCF-style (leftmost placement, unchanged base first): chr6-129453066-ATTG-A. GRCh37 (hg19) VCF-style: chr6-129774211-ATTG-A.
Other names: c.6513_6515delTGT (NM_000426.3); c.6510TGT[1], p.Val2172del (NM_001079823.2); c.6513_6515del (NM_000426.4, NM_000426.3); short protein forms V2172del.
Identifiers: ClinVar variation 556851 (VCV000556851.10), dbSNP rs1363017615, ClinGen allele CA451923240.

ClinVar aggregate classification (germline): Pathogenic/Likely pathogenic. Review status: criteria provided, multiple submitters, no conflicts (2 of 4 stars). 5 submissions from 5 submitters: Pathogenic (2); Likely pathogenic (2). 1 of the submissions does not count toward it. Last evaluated 2026-03-29.

Conditions:
Merosin deficient congenital muscular dystrophy (MDC1A). Also called: Congenital Muscular Dystrophy Type 1A (MDC1A); Congenital merosin-deficient muscular dystrophy 1A. Identifiers: Orphanet 258, MedGen C1263858, MONDO:0011925, OMIM 607855.
Muscular dystrophy, limb-girdle, autosomal recessive 23. Identifiers: Orphanet 565837, MedGen C4748327, MONDO:0029136, OMIM 618138.
LAMA2-related muscular dystrophy (LAMA2-RD). Also called: Laminin alpha 2-related dystrophy. Identifiers: MedGen C5679788, MONDO:0100228.

Submissions (5):

GeneDx
Classification: Likely pathogenic. Last evaluated: 2026-03-29. Review status: criteria provided, single submitter. Criteria: GeneDx Variant Classification Process June 2021. Collection method: clinical testing. Allele origin: germline.
Comment: Not observed at significant frequency in large population cohorts (gnomAD); In-frame deletion of 1 amino acid in a non-repeat region; In silico analysis supports a deleterious effect on protein structure/function; This variant is associated with the following publications: (PMID: 37933889, 28182637, 35821219, 27600705, 24611677)

Fulgent Genetics
Classification: Likely pathogenic for Merosin deficient congenital muscular dystrophy; Muscular dystrophy, limb-girdle, autosomal recessive 23. Last evaluated: 2024-05-21. Review status: criteria provided, single submitter. Criteria: ACMG Guidelines, 2015. Collection method: clinical testing. Allele origin: germline.

Labcorp Genetics (formerly Invitae), Labcorp
Classification: Pathogenic for LAMA2-related muscular dystrophy. Last evaluated: 2023-11-17. Review status: criteria provided, single submitter. Criteria: Invitae Variant Classification Sherloc (09022015). Collection method: clinical testing. Allele origin: germline.
Comment: This variant, c.6513_6515del, results in the deletion of 1 amino acid(s) of the LAMA2 protein (p.Val2172del), but otherwise preserves the integrity of the reading frame. This variant is present in population databases (no rsID available, gnomAD 0.006%). This variant has been observed in individual(s) with congenital muscular dystrophy (PMID: 24611677, 28182637). In at least one individual the data is consistent with being in trans (on the opposite chromosome) from a pathogenic variant. ClinVar contains an entry for this variant (Variation ID: 556851). Experimental studies and prediction algorithms are not available or were not evaluated, and the functional significance of this variant is currently unknown. For these reasons, this variant has been classified as Pathogenic.

Baylor Genetics
Classification: Pathogenic for Merosin deficient congenital muscular dystrophy. Last evaluated: 2023-09-06. Review status: criteria provided, single submitter. Criteria: ACMG Guidelines, 2015. Collection method: clinical testing. Allele origin: unknown.

Counsyl
Classification: Uncertain significance for Merosin deficient congenital muscular dystrophy. Last evaluated: 2018-02-21. Review status: no assertion criteria provided. Collection method: clinical testing. Allele origin: unknown. Not counted in ClinVar's aggregate classification.

Literature cited by the submitters: PubMed 24611677 (cited by Labcorp Genetics (formerly Invitae), Labcorp and Counsyl); PubMed 28182637 (cited by Labcorp Genetics (formerly Invitae), Labcorp and Counsyl).